The following is an entry in ClinVar:

GRCh37/hg19 19p13.3(chr19:3134687-5513059)x3

Genes: ANKRD24 (ankyrin repeat domain 24; plus strand), APBA3 (amyloid beta precursor protein binding family A member 3; minus strand), ARRDC5 (arrestin domain containing 5; minus strand), ATCAY (ATCAY kinesin light chain interacting caytaxin; plus strand), CACTIN (cactin, spliceosome C complex subunit; minus strand) and 51 more. Cytogenetic location: 19p13.3.
Variant type: copy number gain.
Change: copy number 3 (three copies instead of two) of chr19:3,134,687-5,513,059 (2.38 Mb, GRCh37 coordinates, 1-based), cytogenetic band 19p13.3.
Identifiers: ClinVar variation 4682958 (VCV004682958.1).

ClinVar aggregate classification (germline): Pathogenic (1 of 4 stars; one submission).

Submission:

Quest Diagnostics Nichols Institute San Juan Capistrano
Classification: Pathogenic. Last evaluated: 2025-06-11. Review status: criteria provided, single submitter. Criteria: ACMG/ClinGen CNV Guidelines, 2019. Collection method: clinical testing. Allele origin: unknown.
Comment: This duplication involves at least 58 protein-coding genes. Heterozygous duplications either contained within or partially overlapping the current interval have been reported in individuals with variable phenotypic presentation (Jouret 2023, Lissewski 2015, Nevado 2015, Novikova 2017, Siggberg 2011, Tenorio 2020). Two critical regions have been proposed based on minimal regions of overlap identified in 19p13.3 microdeletions/microduplications: CR1 which partially overlaps with the current interval (Jouret 2023) and CR2 which is fully contained within the current interval (Jouret 2023, Nevado 2015, Tenorio 2020). There are no similar copy number gains of this region in the general populations of the Database of Genomic Variants. Therefore, based on gene content and current medical literature, this copy number variant (CNV) is classified as pathogenic. References: Jouret et al., Am J Med Genet A. 2023 Jan;191(1):52-63. PMID: 36196855 Lissewski et al., Am J Med Genet A. 2015 Nov;167A(11):2685-90. PMID: 25974318 Nevado et al., Eur J Hum Genet. 2015 Dec;23(12):1615-26. PMID: 25853300 Novikova et al., J Pediatr Genet. 2017 Dec;6(4):227-233. PMID: 29142765 Siggberg et al., Cytogenet Genome Res. 2011;132(1-2):8-15. PMID: 20938164 Tenorio et al., Clin Genet. 2020 Mar;97(3):467-476. PMID: 31972898